The following is an entry in ClinVar:

NM_001272071.2(AP1S2):c.472G>A (p.Gly158Arg)

Gene: AP1S2 (adaptor related protein complex 1 subunit sigma 2; minus strand). Cytogenetic location: Xp22.2.
Variant type: single nucleotide variant.
Coding change: c.472G>A on transcript NM_001272071.2 (MANE Select); coding-DNA position 472, G replaced by A.
Protein change: p.Gly158Arg; replaces glycine 158 with arginine.
Molecular consequence: missense variant.
Genome position (GRCh38, 1-based): chrX:15,827,336, C>T on the plus strand (G>A on the coding strand, the complement: AP1S2 is on the minus strand). VCF-style: chrX-15827336-C-T. GRCh37 (hg19) VCF-style: chrX-15845459-C-T.
Other names: c.463G>A (NM_003916.3); c.463G>A, p.Gly155Arg (NM_003916.5); short protein forms G155R, G158R.
Identifiers: ClinVar variation 1039029 (VCV001039029.9), dbSNP rs143031717, ClinGen allele CA327136269.

ClinVar aggregate classification (germline): Uncertain significance. Review status: criteria provided, multiple submitters, no conflicts (2 of 4 stars). 3 submissions from 3 submitters: Uncertain significance (3). Last evaluated 2025-08-09.

Conditions:
Inborn genetic diseases. Identifiers: MedGen C0950123, MeSH D030342.

Allele frequency attached by ClinVar (database versions not stated): gnomAD exomes 0.00001; TOPMed 0.00001; gnomAD 0.00002; ESP Exome Variant Server 0.00009.
gnomAD v4.1: 17 of 1,207,008 alleles (0.0014%); highest among the groups gnomAD compares: Non-Finnish European, 0.0018%; no homozygotes.

Submissions (3):

Ambry Genetics
Classification: Uncertain significance for Inborn genetic diseases. Last evaluated: 2025-08-09. Review status: criteria provided, single submitter. Criteria: Ambry Variant Classification Scheme 2023. Collection method: clinical testing. Allele origin: germline.

GeneDx
Classification: Uncertain significance. Last evaluated: 2025-03-28. Review status: criteria provided, single submitter. Criteria: GeneDx Variant Classification Process June 2021. Collection method: clinical testing. Allele origin: germline. Affected: yes.
Comment: Has not been previously published as pathogenic or benign to our knowledge; Not observed at significant frequency in large population cohorts (gnomAD); In silico analysis supports that this missense variant has a deleterious effect on protein structure/function; In silico analysis is inconclusive as to whether the variant alters gene splicing. In the absence of RNA/functional studies, the actual effect of this sequence change is unknown.

Labcorp Genetics (formerly Invitae), Labcorp
Classification: Uncertain significance. Last evaluated: 2020-04-07. Review status: criteria provided, single submitter. Criteria: Invitae Variant Classification Sherloc (09022015). Collection method: clinical testing. Allele origin: germline.
Comment: This variant is not present in population databases (ExAC no frequency). This sequence change replaces glycine with arginine at codon 155 of the AP1S2 protein (p.Gly155Arg). The glycine residue is moderately conserved and there is a moderate physicochemical difference between glycine and arginine. This variant has not been reported in the literature in individuals with AP1S2-related disease. Algorithms developed to predict the effect of missense changes on protein structure and function do not agree on the potential impact of this missense change (SIFT: "Deleterious"; PolyPhen-2: "Possibly Damaging"; Align-GVGD: "Class C0"). In summary, the available evidence is currently insufficient to determine the role of this variant in disease. Therefore, it has been classified as a Variant of Uncertain Significance.